The following is an entry in ClinVar:

NM_000337.6(SGCD):c.503-224T>G

Gene: SGCD (sarcoglycan delta; plus strand). Cytogenetic location: 5q33.3.
Variant type: single nucleotide variant.
Coding change: c.503-224T>G on transcript NM_000337.6 (MANE Select); 224 bases into the intron before coding-DNA position 503, T replaced by G.
Molecular consequence: intron variant.
Genome position (GRCh38, 1-based): chr5:156,647,240, T>G. VCF-style: chr5-156647240-T-G. GRCh37 (hg19) VCF-style: chr5-156074250-T-G.
Other names: c.500-224T>G (NM_001128209.2); c.503-224T>G (NM_172244.3).
Identifiers: ClinVar variation 670059 (VCV000670059.1), dbSNP rs39925, ClinGen allele CA11949337.

ClinVar aggregate classification (germline): Benign (1 of 4 stars; one submission).

Allele frequency attached by ClinVar (database versions not stated): TOPMed 0.36043; 1000 Genomes Project 30x 0.36149; 1000 Genomes Project 0.37400; gnomAD 0.37569.
gnomAD v4.1: 56,439 of 152,044 alleles (37%); highest among the groups gnomAD compares: East Asian, 58%; 12,978 homozygotes.

Submission:

GeneDx
Classification: Benign. Last evaluated: 2018-06-14. Review status: criteria provided, single submitter. Criteria: GeneDx Variant Classification (06012015). Collection method: clinical testing. Allele origin: germline. Affected: yes.
Comment: This variant is considered likely benign or benign based on one or more of the following criteria: it is a conservative change, it occurs at a poorly conserved position in the protein, it is predicted to be benign by multiple in silico algorithms, and/or has population frequency not consistent with disease.